The following is an entry in ClinVar:

ClinVar aggregate classification (germline): Uncertain significance. Review status: criteria provided, multiple submitters, no conflicts (2 of 4 stars). 2 submissions from 2 submitters: Uncertain significance (2). Last evaluated 2021-03-30.

Conditions:
Immunodeficiency due to MASP-2 deficiency. Also called: MASP2 deficiency; LECTIN COMPLEMENT ACTIVATION PATHWAY, DEFECT IN, 2. Identifiers: Orphanet 331187, MedGen C3151085, MONDO:0013423, OMIM 613791.

Allele frequency attached by ClinVar (database versions not stated): ExAC below 0.00001; gnomAD exomes 0.00006 and 0.00012; ESP Exome Variant Server 0.00008; gnomAD 0.00008 and 0.00009; TOPMed 0.00009.
gnomAD v4.1: 174 of 1,551,748 alleles (0.011%); highest among the groups gnomAD compares: Non-Finnish European, 0.014%; no homozygotes.

Submissions (2):

Center for Genomics, Ann and Robert H. Lurie Children's Hospital of Chicago
Classification: Uncertain significance for Immunodeficiency due to MASP-2 deficiency. Last evaluated: 2021-03-30. Review status: criteria provided, single submitter. Criteria: ACMG Guidelines, 2015. Collection method: clinical testing. Allele origin: germline.
Comment: MASP2 NM_006610.3 exon 2 p.Gly34Ser (c.100G>A): This variant has not been reported in the literature but is present in 0.02% (4/16946) of African alleles in the Genome Aggregation Database. Evolutionary conservation and computational predictive tools for this variant are unclear. Of note, splice prediction tools suggest that this variant may affect splicing. However, further studies are needed to understand its impact. In summary, data on this variant is insufficient for disease classification. Therefore, the clinical significance of this variant is uncertain.

Illumina Laboratory Services, Illumina
Classification: Uncertain significance for Immunodeficiency due to MASP-2 deficiency. Last evaluated: 2017-04-28. Review status: criteria provided, single submitter. Criteria: ICSL Variant Classification Criteria 13 December 2019. Collection method: clinical testing. Allele origin: germline.

NM_006610.4(MASP2):c.100G>A (p.Gly34Ser)

Gene: MASP2 (MBL associated serine protease 2; minus strand). Cytogenetic location: 1p36.22.
Variant type: single nucleotide variant.
Coding change: c.100G>A on transcript NM_006610.4 (MANE Select); coding-DNA position 100, G replaced by A.
Protein change: p.Gly34Ser; replaces glycine 34 with serine.
Molecular consequence: missense variant.
Genome position (GRCh38, 1-based): chr1:11,047,025, C>T on the plus strand (G>A on the coding strand, the complement: MASP2 is on the minus strand). VCF-style: chr1-11047025-C-T. GRCh37 (hg19) VCF-style: chr1-11107082-C-T.
Other names: c.100G>A, p.Gly34Ser (NM_139208.3); short protein forms G34S.
Identifiers: ClinVar variation 875841 (VCV000875841.6), dbSNP rs373677176, ClinGen allele CA587248.